The following is an entry in ClinVar:

ClinVar aggregate classification (germline): Uncertain significance (1 of 4 stars; one submission).

Conditions:
Benign neonatal seizures. Also called: Convulsions benign familial neonatal dominant form; Autosomal dominant form of benign neonatal seizures; Benign neonatal familial convulsions; Benign familial neonatal seizures; Benign familial neonatal epilepsy. Identifiers: Orphanet 1949, MedGen C0220669, MONDO:0016027.

Allele frequency attached by ClinVar (database versions not stated): TOPMed below 0.00001.
gnomAD v4.1: 7 of 1,614,182 alleles (0.00043%); highest among the groups gnomAD compares: South Asian, 0.0066%; no homozygotes.

Submission:

Labcorp Genetics (formerly Invitae), Labcorp
Classification: Uncertain significance for Benign neonatal seizures. Last evaluated: 2023-02-03. Review status: criteria provided, single submitter. Criteria: Invitae Variant Classification Sherloc (09022015). Collection method: clinical testing. Allele origin: germline.
Comment: This variant is not present in population databases (gnomAD no frequency). This variant has not been reported in the literature in individuals affected with KCNQ3-related conditions. ClinVar contains an entry for this variant (Variation ID: 1486674). Advanced modeling of protein sequence and biophysical properties (such as structural, functional, and spatial information, amino acid conservation, physicochemical variation, residue mobility, and thermodynamic stability) performed at Invitae indicates that this missense variant is not expected to disrupt KCNQ3 protein function. In summary, the available evidence is currently insufficient to determine the role of this variant in disease. Therefore, it has been classified as a Variant of Uncertain Significance. This sequence change replaces alanine, which is neutral and non-polar, with threonine, which is neutral and polar, at codon 764 of the KCNQ3 protein (p.Ala764Thr).

NM_004519.4(KCNQ3):c.2290G>A (p.Ala764Thr)

Gene: KCNQ3 (potassium voltage-gated channel subfamily Q member 3; minus strand). Cytogenetic location: 8q24.22.
Variant type: single nucleotide variant.
Coding change: c.2290G>A on transcript NM_004519.4 (MANE Select); coding-DNA position 2290, G replaced by A.
Protein change: p.Ala764Thr; replaces alanine 764 with threonine.
Molecular consequence: missense variant.
Genome position (GRCh38, 1-based): chr8:132,129,591, C>T on the plus strand (G>A on the coding strand, the complement: KCNQ3 is on the minus strand). VCF-style: chr8-132129591-C-T. GRCh37 (hg19) VCF-style: chr8-133141838-C-T.
Other names: c.1930G>A, p.Ala644Thr (NM_001204824.2); short protein forms A644T, A764T.
Identifiers: ClinVar variation 1486674 (VCV001486674.8), dbSNP rs1165980000, ClinGen allele CA372216198.